The following is an entry in ClinVar:

ClinVar aggregate classification (germline): Benign/Likely benign. Review status: criteria provided, multiple submitters, no conflicts (2 of 4 stars). 4 submissions from 4 submitters: Benign (1); Likely benign (3). Last evaluated 2025-01-05.

Conditions:
Hereditary cancer-predisposing syndrome. Also called: Tumor predisposition; Hereditary Cancer Syndrome; Neoplastic Syndromes, Hereditary; Hereditary neoplastic syndrome. Identifiers: Orphanet 140162, MedGen C0027672, MeSH D009386, MONDO:0015356.
Juvenile polyposis syndrome (JPS). Identifiers: Orphanet 2929, MedGen C0345893, MONDO:0017380, OMIM 174900.

Submissions (4):

Ambry Genetics
Classification: Likely benign for Hereditary cancer-predisposing syndrome. Last evaluated: 2025-01-05. Review status: criteria provided, single submitter. Criteria: Ambry Variant Classification Scheme 2023. Collection method: clinical testing. Allele origin: germline.

Myriad Genetics, Inc.
Classification: Benign for Juvenile polyposis syndrome. Last evaluated: 2024-07-31. Review status: criteria provided, single submitter. Criteria: Myriad Autosomal Dominant, Autosomal Recessive and X-Linked Classification Criteria (2023). Collection method: clinical testing. Allele origin: unknown.
Comment: This variant is considered benign. This variant is a silent/synonymous amino acid change and it is not expected to impact splicing.

All of Us Research Program, National Institutes of Health
Classification: Likely benign for Juvenile polyposis syndrome. Last evaluated: 2024-07-20. Review status: criteria provided, single submitter. Criteria: ACMG Guidelines, 2015. Collection method: clinical testing. Allele origin: germline. Inheritance: Autosomal dominant inheritance. Observed: 1 variant allele, 1 heterozygote.
Comment: This study involves interpretation of variants in research participants for the purpose of population health screening. Participant phenotype was not available at the time of variant classification. Additional details can be found in publication PMID: 35346344, PMCID: PMC8962531

Labcorp Genetics (formerly Invitae), Labcorp
Classification: Likely benign for Juvenile polyposis syndrome. Last evaluated: 2019-08-14. Review status: criteria provided, single submitter. Criteria: Invitae Variant Classification Sherloc (09022015). Collection method: clinical testing. Allele origin: germline.

NM_004329.3(BMPR1A):c.210T>C (p.Asp70=)

Gene: BMPR1A (bone morphogenetic protein receptor type 1A; plus strand). Cytogenetic location: 10q23.2.
Variant type: single nucleotide variant.
Coding change: c.210T>C on transcript NM_004329.3 (MANE Select); coding-DNA position 210, T replaced by C.
Protein change: p.Asp70=; no amino-acid change (aspartic acid 70 retained).
Molecular consequence: synonymous variant.
Genome position (GRCh38, 1-based): chr10:86,890,204, T>C. VCF-style: chr10-86890204-T-C. GRCh37 (hg19) VCF-style: chr10-88649961-T-C.
Identifiers: ClinVar variation 762171 (VCV000762171.14), dbSNP rs1589763468, ClinGen allele CA470304589.